The following is an entry in ClinVar:

NM_000260.4(MYO7A):c.3844G>C (p.Glu1282Gln)

Gene: MYO7A (myosin VIIA; plus strand). Cytogenetic location: 11q13.5.
Variant type: single nucleotide variant.
Coding change: c.3844G>C on transcript NM_000260.4 (MANE Select); coding-DNA position 3844, G replaced by C.
Protein change: p.Glu1282Gln; replaces glutamic acid 1282 with glutamine.
Molecular consequence: missense variant.
Genome position (GRCh38, 1-based): chr11:77,190,790, G>C. VCF-style: chr11-77190790-G-C. GRCh37 (hg19) VCF-style: chr11-76901835-G-C.
Other names: c.3844G>C, p.Glu1282Gln (NM_001127180.2); c.3811G>C, p.Glu1271Gln (NM_001369365.1); short protein forms E1282Q, E1271Q.
Identifiers: ClinVar variation 958579 (VCV000958579.13), dbSNP rs887299357, ClinGen allele CA224844094.

ClinVar aggregate classification (germline): Uncertain significance. Review status: criteria provided, multiple submitters, no conflicts (2 of 4 stars). 4 submissions from 4 submitters: Uncertain significance (3). 1 of the submissions does not count toward it. Last evaluated 2026-06-03.

Conditions:
MYO7A-related disorder. Also called: MYO7A-related disorders.
Usher syndrome type 1B (USH1B). Also called: Usher syndrome type IB. Identifiers: MedGen C1848638, MONDO:0700087.

Allele frequency attached by ClinVar (database versions not stated): gnomAD 0.00005 and 0.00006; TOPMed 0.00007.

Submissions (4):

PreventionGenetics, part of Exact Sciences
Classification: Uncertain significance for MYO7A-related condition. Last evaluated: 2026-06-03. Review status: criteria provided, single submitter. Criteria: ACMG Guidelines, 2015. Collection method: clinical testing. Allele origin: germline.
Comment: The MYO7A c.3844G>C variant is predicted to result in the amino acid substitution p.Glu1282Gln. To our knowledge, this variant has not been reported in the literature. This variant is reported in one out of ~250,000 alleles in gnomAD. At this time, the clinical significance of this variant is uncertain due to the absence of conclusive functional and genetic evidence.

Labcorp Genetics (formerly Invitae), Labcorp
Classification: Uncertain significance. Last evaluated: 2024-12-10. Review status: criteria provided, single submitter. Criteria: Invitae Variant Classification Sherloc (09022015). Collection method: clinical testing. Allele origin: germline.
Comment: This sequence change replaces glutamic acid, which is acidic and polar, with glutamine, which is neutral and polar, at codon 1282 of the MYO7A protein (p.Glu1282Gln). This variant is present in population databases (no rsID available, gnomAD no frequency). This variant has not been reported in the literature in individuals affected with MYO7A-related conditions. ClinVar contains an entry for this variant (Variation ID: 958579). Invitae Evidence Modeling of protein sequence and biophysical properties (such as structural, functional, and spatial information, amino acid conservation, physicochemical variation, residue mobility, and thermodynamic stability) has been performed for this missense variant. However, the output from this modeling did not meet the statistical confidence thresholds required to predict the impact of this variant on MYO7A protein function. In summary, the available evidence is currently insufficient to determine the role of this variant in disease. Therefore, it has been classified as a Variant of Uncertain Significance.

Blueprint Genetics
Classification: Uncertain significance. Last evaluated: 2018-09-06. Review status: criteria provided, single submitter. Criteria: ACMG Guidelines, 2015. Collection method: clinical testing. Allele origin: germline.

Natera, Inc.
Classification: Uncertain significance for Usher syndrome type 1B. Last evaluated: 2020-03-04. Review status: no assertion criteria provided. Collection method: clinical testing. Allele origin: germline. Not counted in ClinVar's aggregate classification.